The following is an entry in ClinVar:

NM_001351169.2(NT5C2):c.539+5_539+8del

Gene: NT5C2 (5'-nucleotidase, cytosolic II; minus strand). Cytogenetic location: 10q24.33.
Variant type: Microsatellite.
Coding change: c.539+5_539+8del on transcript NM_001351169.2 (MANE Select); bases 5 to 8 of the intron after coding-DNA position 539, 4 bases deleted (GTAT; older notation c.539+5_539+8delGTAT).
Molecular consequence: splice donor variant.
Genome position (GRCh38, 1-based): chr10:103,101,037-103,101,040, ATAC deleted on the plus strand (GTAT on the coding strand, the reverse complement: NT5C2 is on the minus strand); deleting any 4 consecutive bases within chr10:103,101,037-103,101,044 gives the same sequence; the c. name uses the placement nearest the transcript's 3' end. VCF-style (leftmost placement, unchanged base first): chr10-103101036-TATAC-T. GRCh37 (hg19) VCF-style: chr10-104860793-TATAC-T.
Other names: c.452+5_452+8del (NM_001351174.1); c.-35+5_-35+8del (NM_001351191.1, NM_001351192.1, NM_001351193.1 and 6 more transcripts); c.-217+5_-217+8del (NM_001351194.2, NM_001351195.2, NM_001351196.2); c.-227+5_-227+8del (NM_001351180.2, NM_001351188.2, NM_001351184.2 and 4 more transcripts); c.539+5_539+8del (NM_001134373.3, NM_012229.5); c.-248+5_-248+8del (NM_001351185.2, NM_001351187.2); c.563+5_563+8del (NM_001351170.2, NM_001351171.2, NM_001351172.2 and 1 more transcripts); c.446+5_446+8del (NM_001351175.2); and 1 more.
Identifiers: ClinVar variation 3722481 (VCV003722481.2).
Genomic context (GRCh38, chr10:103,101,036, plus strand): 5'-AGTTCTCTAAAACCCTGTGCATTAATTTTAAAAATCAATTGGAAAAAAATAATTATAGTA[TATAC>T]ATACCTGGTATATCTGGGACAATTAGTAAAAAAATCTACTAGGCAGGCCAACAGGTAGGT-3'

ClinVar aggregate classification (germline): Uncertain significance (1 of 4 stars; one submission).

Conditions:
Hereditary spastic paraplegia 45. Also called: Spastic paraplegia 45, autosomal recessive; SPASTIC PARAPLEGIA 45. Identifiers: Orphanet 320396, MedGen C3888209, MONDO:0013165, OMIM 613162.

Submission:

Labcorp Genetics (formerly Invitae), Labcorp
Classification: Uncertain significance for Hereditary spastic paraplegia 45. Last evaluated: 2024-10-08. Review status: criteria provided, single submitter. Criteria: Invitae Variant Classification Sherloc (09022015). Collection method: clinical testing. Allele origin: germline.
Comment: This sequence change falls in intron 8 of the NT5C2 gene. It does not directly change the encoded amino acid sequence of the NT5C2 protein. It affects a nucleotide within the consensus splice site. This variant is not present in population databases (gnomAD no frequency). This variant has not been reported in the literature in individuals affected with NT5C2-related conditions. Variants that disrupt the consensus splice site are a relatively common cause of aberrant splicing (PMID: 17576681, 9536098). Algorithms developed to predict the effect of sequence changes on RNA splicing suggest that this variant may disrupt the consensus splice site. In summary, the available evidence is currently insufficient to determine the role of this variant in disease. Therefore, it has been classified as a Variant of Uncertain Significance.

Literature cited by the submitters: PubMed 17576681; PubMed 9536098.